The following is an entry in ClinVar:

NM_001267550.2(TTN):c.46431A>T (p.Glu15477Asp)

Genes: TTN (titin; minus strand), TTN-AS1 (TTN antisense RNA 1; plus strand). Cytogenetic location: 2q31.2.
Variant type: single nucleotide variant.
Coding change: c.46431A>T on transcript NM_001267550.2 (MANE Select); coding-DNA position 46431, A replaced by T.
Protein change: p.Glu15477Asp; replaces glutamic acid 15477 with aspartic acid.
Molecular consequence: missense variant. On other transcripts: non-coding transcript variant (1).
Genome position (GRCh38, 1-based): chr2:178,619,886, T>A on the plus strand (A>T on the coding strand, the complement: TTN is on the minus strand). VCF-style: chr2-178619886-T-A. GRCh37 (hg19) VCF-style: chr2-179484613-T-A.
Other names: c.41508A>T, p.Glu13836Asp (NM_001256850.1); c.19236A>T, p.Glu6412Asp (NM_003319.4); c.38727A>T, p.Glu12909Asp (NM_133378.4); c.19611A>T, p.Glu6537Asp (NM_133432.3); c.19812A>T, p.Glu6604Asp (NM_133437.4); short protein forms E12909D, E13836D, E15477D, E6412D, E6537D, E6604D.
Identifiers: ClinVar variation 3903298 (VCV003903298.1).
Genomic context (GRCh38, chr2:178,619,886, plus strand): 5'-AACATCAGCACCAGGGGCTTCAAGAATATCTTGTGGAGGCCTGATGATCTCAACAGGAAT[T>A]TCTGGAAAGAAAATGTGAAATAAATACAAATATGTTTACATTTTGATTAACAATTTTAAA-3'
Protein context (NP_001254479.2, residues 15467-15487): RKSRARLFVE[Glu15477Asp]IPVEIIRPPQ

ClinVar aggregate classification (germline): Uncertain significance (1 of 4 stars; one submission).

gnomAD v4.1: 1 of 1,605,504 alleles (0.000062%); highest among the groups gnomAD compares: East Asian, 0.0022%; no homozygotes.

Submission:

GeneDx
Classification: Uncertain significance. Last evaluated: 2024-12-09. Review status: criteria provided, single submitter. Criteria: GeneDx Variant Classification Process June 2021. Collection method: clinical testing. Allele origin: germline. Affected: yes.
Comment: Not observed at significant frequency in large population cohorts (gnomAD); Has not been previously published as pathogenic or benign to our knowledge; This variant is associated with the following publications: (PMID: 23975875)